The following is an entry in ClinVar:

NM_002300.8(LDHB):c.-81G>C

Gene: LDHB (lactate dehydrogenase B; minus strand). Cytogenetic location: 12p12.1.
Variant type: single nucleotide variant.
Coding change: c.-81G>C on transcript NM_002300.8 (MANE Select); 81 bases upstream of the start codon, G replaced by C.
Molecular consequence: 5 prime UTR variant.
Genome position (GRCh38, 1-based): chr12:21,657,825, C>G on the plus strand (G>C on the coding strand, the complement: LDHB is on the minus strand). VCF-style: chr12-21657825-C-G. GRCh37 (hg19) VCF-style: chr12-21810759-C-G.
Other names: c.-364G>C (NM_001174097.3); c.-81G>C (NM_001315537.2).
Identifiers: ClinVar variation 308029 (VCV000308029.5), dbSNP rs74069329, ClinGen allele CA10632442.

ClinVar aggregate classification (germline): Benign (1 of 4 stars; one submission).

Conditions:
Glycogen storage disease due to lactate dehydrogenase H-subunit deficiency. Identifiers: Orphanet 284435, MedGen C3279904, MONDO:0013587, OMIM 614128.

Allele frequency attached by ClinVar (database versions not stated): gnomAD 0.03302 and 0.03540; 1000 Genomes Project 0.03574; TOPMed 0.03714; 1000 Genomes Project 30x 0.03795.

Submission:

Illumina Laboratory Services, Illumina
Classification: Benign for Glycogen storage disease due to lactate dehydrogenase H-subunit deficiency. Last evaluated: 2018-01-12. Review status: criteria provided, single submitter. Criteria: ICSL Variant Classification Criteria 13 December 2019. Collection method: clinical testing. Allele origin: germline.
Comment: This variant was observed in the ICSL laboratory as part of a predisposition screen in an ostensibly healthy population. It had not been previously curated by ICSL or reported in the Human Gene Mutation Database (HGMD: prior to June 1st, 2018), and was therefore a candidate for classification through an automated scoring system. Utilizing variant allele frequency, disease prevalence and penetrance estimates, and inheritance mode, an automated score was calculated to assess if this variant is too frequent to cause the disease. Based on the score and internal cut-off values, a variant classified as benign is not then subjected to further curation. The score for this variant resulted in a classification of benign for this disease.